The following is an entry in ClinVar:

ClinVar aggregate classification (germline): Likely pathogenic (1 of 4 stars; one submission).

Conditions:
PMM2-congenital disorder of glycosylation. Also called: PMM2-CDG; Congenital disorder of glycosylation, type Ia; CDG Ia; JAEKEN SYNDROME; PHOSPHOMANNOMUTASE 2 DEFICIENCY; CARBOHYDRATE-DEFICIENT GLYCOPROTEIN SYNDROME, TYPE Ia. Identifiers: Orphanet 79318, MedGen C0349653, MONDO:0008907, OMIM 212065.

Submission:

Labcorp Genetics (formerly Invitae), Labcorp
Classification: Likely pathogenic for PMM2-congenital disorder of glycosylation. Last evaluated: 2023-05-05. Review status: criteria provided, single submitter. Criteria: Invitae Variant Classification Sherloc (09022015). Collection method: clinical testing. Allele origin: germline.
Comment: In summary, the currently available evidence indicates that the variant is pathogenic, but additional data are needed to prove that conclusively. Therefore, this variant has been classified as Likely Pathogenic. This variant disrupts the p.Arg239 amino acid residue in PMM2. Other variant(s) that disrupt this residue have been determined to be pathogenic (PMID: 11156536, 28425223). This suggests that this residue is clinically significant, and that variants that disrupt this residue are likely to be disease-causing. Advanced modeling of protein sequence and biophysical properties (such as structural, functional, and spatial information, amino acid conservation, physicochemical variation, residue mobility, and thermodynamic stability) performed at Invitae indicates that this missense variant is expected to disrupt PMM2 protein function. This variant has not been reported in the literature in individuals affected with PMM2-related conditions. This variant is not present in population databases (gnomAD no frequency). This sequence change replaces arginine, which is basic and polar, with threonine, which is neutral and polar, at codon 239 of the PMM2 protein (p.Arg239Thr).

Literature cited by the submitters: PubMed 11156536; PubMed 28425223.

NM_000303.3(PMM2):c.716G>C (p.Arg239Thr)

Gene: PMM2 (phosphomannomutase 2; plus strand). Cytogenetic location: 16p13.2.
Variant type: single nucleotide variant.
Coding change: c.716G>C on transcript NM_000303.3 (MANE Select); coding-DNA position 716, G replaced by C.
Protein change: p.Arg239Thr; replaces arginine 239 with threonine.
Molecular consequence: missense variant.
Genome position (GRCh38, 1-based): chr16:8,847,800, G>C. VCF-style: chr16-8847800-G-C. GRCh37 (hg19) VCF-style: chr16-8941657-G-C.
Other names: short protein forms R239T.
Identifiers: ClinVar variation 2862116 (VCV002862116.3), dbSNP rs958388439, ClinGen allele CA394689676.